The following is an entry in ClinVar:

ClinVar aggregate classification (germline): Uncertain significance (1 of 4 stars; one submission).

Conditions:
Neuropathy, hereditary sensory and autonomic, type 2A (HSAN2A). Also called: WNK1-Related HSAN2 (HSAN2A); ACROOSTEOLYSIS, GIACCAI TYPE; ACROOSTEOLYSIS, NEUROGENIC; HSAN IIA; MORVAN DISEASE; NEUROPATHY, CONGENITAL SENSORY. Identifiers: Orphanet 970, MedGen C2752089, MONDO:0024309, OMIM 201300.
Generalized epilepsy with febrile seizures plus, type 7 (GEFSP7). Also called: GEFS+, TYPE 7. Identifiers: Orphanet 36387, MedGen C2751778, MONDO:0013470, OMIM 613863.

Allele frequency attached by ClinVar (database versions not stated): gnomAD exomes below 0.00001.
gnomAD v4.1: 5 of 1,614,092 alleles (0.00031%); highest among the groups gnomAD compares: Non-Finnish European, 0.00042%; no homozygotes.

Submission:

Labcorp Genetics (formerly Invitae), Labcorp
Classification: Uncertain significance for Neuropathy, hereditary sensory and autonomic, type 2A; Generalized epilepsy with febrile seizures plus, type 7. Last evaluated: 2021-03-19. Review status: criteria provided, single submitter. Criteria: Invitae Variant Classification Sherloc (09022015). Collection method: clinical testing. Allele origin: germline.
Comment: This variant has not been reported in the literature in individuals with SCN9A-related conditions. This variant is not present in population databases (ExAC no frequency). This sequence change replaces methionine with isoleucine at codon 921 of the SCN9A protein (p.Met921Ile). The methionine residue is highly conserved and there is a small physicochemical difference between methionine and isoleucine. In summary, the available evidence is currently insufficient to determine the role of this variant in disease. Therefore, it has been classified as a Variant of Uncertain Significance. Algorithms developed to predict the effect of missense changes on protein structure and function are either unavailable or do not agree on the potential impact of this missense change (SIFT: "Deleterious"; PolyPhen-2: "Probably Damaging"; Align-GVGD: "Class C0").

NM_001365536.1(SCN9A):c.2796G>C (p.Met932Ile)

Genes: SCN9A (sodium voltage-gated channel alpha subunit 9; minus strand), SCN1A-AS1 (SCN1A and SCN9A antisense RNA 1; plus strand). Cytogenetic location: 2q24.3.
Variant type: single nucleotide variant.
Coding change: c.2796G>C on transcript NM_001365536.1 (MANE Select); coding-DNA position 2796, G replaced by C.
Protein change: p.Met932Ile; replaces methionine 932 with isoleucine.
Molecular consequence: missense variant.
Genome position (GRCh38, 1-based): chr2:166,277,061, C>G on the plus strand (G>C on the coding strand, the complement: SCN9A is on the minus strand). VCF-style: chr2-166277061-C-G. GRCh37 (hg19) VCF-style: chr2-167133571-C-G.
Other names: c.2763G>C, p.Met921Ile (NM_002977.4); short protein forms M921I, M932I.
Identifiers: ClinVar variation 1467887 (VCV001467887.8), dbSNP rs2106468816, ClinGen allele CA349077369.